The following is an entry in ClinVar:

ClinVar aggregate classification (germline): Uncertain significance (1 of 4 stars; one submission).

Conditions:
Progressive familial heart block type IB (PFHB1B). Identifiers: Orphanet 871, MedGen C1970298, MONDO:0011474, OMIM 604559.

Allele frequency attached by ClinVar (database versions not stated): gnomAD exomes 0.00001.

Submission:

Labcorp Genetics (formerly Invitae), Labcorp
Classification: Uncertain significance for Progressive familial heart block type IB. Last evaluated: 2019-11-25. Review status: criteria provided, single submitter. Criteria: Invitae Variant Classification Sherloc (09022015). Collection method: clinical testing. Allele origin: germline.
Comment: In summary, the available evidence is currently insufficient to determine the role of this variant in disease. Therefore, it has been classified as a Variant of Uncertain Significance. Algorithms developed to predict the effect of missense changes on protein structure and function are either unavailable or do not agree on the potential impact of this missense change (SIFT: "Deleterious"; PolyPhen-2: "Probably Damaging"; Align-GVGD: "Class C0"). This variant has not been reported in the literature in individuals with TRPM4-related conditions. This variant is not present in population databases (ExAC no frequency). This sequence change replaces threonine with methionine at codon 22 of the TRPM4 protein (p.Thr22Met). The threonine residue is moderately conserved and there is a moderate physicochemical difference between threonine and methionine.

NM_017636.4(TRPM4):c.65C>T (p.Thr22Met)

Gene: TRPM4 (transient receptor potential cation channel subfamily M member 4; plus strand). Cytogenetic location: 19q13.33.
Variant type: single nucleotide variant.
Coding change: c.65C>T on transcript NM_017636.4 (MANE Select); coding-DNA position 65, C replaced by T.
Protein change: p.Thr22Met; replaces threonine 22 with methionine.
Molecular consequence: missense variant. On other transcripts: 5 prime UTR variant (3).
Genome position (GRCh38, 1-based): chr19:49,158,232, C>T. VCF-style: chr19-49158232-C-T. GRCh37 (hg19) VCF-style: chr19-49661489-C-T.
Other names: c.65C>T, p.Thr22Met (NM_001195227.2, NM_001321281.2); c.-1308C>T (NM_001321282.2); c.-102C>T (NM_001321283.2); c.-265C>T (NM_001321285.2); short protein forms T22M.
Identifiers: ClinVar variation 841018 (VCV000841018.9), dbSNP rs1600379607, ClinGen allele CA406788043.
Genomic context (GRCh38, chr19:49,158,232, plus strand): 5'-ACATTTGTTCCTGTCCCCAGAGCTGGATCCCCAAGATCTTCAAGAAGAAGACCTGCACGA[C>T]GTTCATAGTTGACTCCACAGATCCGGGGTGAGGAGTTCGCCCCTGGACTGACCCCAGAGG-3'
Protein context (NP_060106.2, residues 12-32): PKIFKKKTCT[Thr22Met]FIVDSTDPGG